The following is an entry in ClinVar:

ClinVar aggregate classification (germline): Uncertain significance (1 of 4 stars; one submission).

Conditions:
Hereditary spastic paraplegia 47. Also called: Spastic paraplegia 47, autosomal recessive; CEREBRAL PALSY, SPASTIC QUADRIPLEGIC, 5; adaptor protein 4 (AP-4) deficiency syndrome. Identifiers: Orphanet 280763, MedGen C3279738, MONDO:0013551, OMIM 614066.

Submission:

Labcorp Genetics (formerly Invitae), Labcorp
Classification: Uncertain significance for Spastic paraplegia 47, autosomal recessive. Last evaluated: 2019-01-28. Review status: criteria provided, single submitter. Criteria: Invitae Variant Classification Sherloc (09022015). Collection method: clinical testing. Allele origin: germline.
Comment: This sequence change replaces arginine with glycine at codon 113 of the AP4B1 protein (p.Arg113Gly). The arginine residue is highly conserved and there is a moderate physicochemical difference between arginine and glycine. This variant is not present in population databases (ExAC no frequency). This variant has not been reported in the literature in individuals with AP4B1-related conditions. Algorithms developed to predict the effect of missense changes on protein structure and function are either unavailable or do not agree on the potential impact of this missense change (SIFT: "Deleterious"; PolyPhen-2: "Probably Damaging"; Align-GVGD: "Class C0"). In summary, the available evidence is currently insufficient to determine the role of this variant in disease. Therefore, it has been classified as a Variant of Uncertain Significance.

NM_001253852.3(AP4B1):c.337A>G (p.Arg113Gly)

Gene: AP4B1 (adaptor related protein complex 4 subunit beta 1; minus strand). Cytogenetic location: 1p13.2.
Variant type: single nucleotide variant.
Coding change: c.337A>G on transcript NM_001253852.3 (MANE Select); coding-DNA position 337, A replaced by G.
Protein change: p.Arg113Gly; replaces arginine 113 with glycine.
Molecular consequence: missense variant. On other transcripts: intron variant (1).
Genome position (GRCh38, 1-based): chr1:113,902,639, T>C on the plus strand (A>G on the coding strand, the complement: AP4B1 is on the minus strand). VCF-style: chr1-113902639-T-C. GRCh37 (hg19) VCF-style: chr1-114445261-T-C.
Other names: c.40A>G, p.Arg14Gly (NM_001253853.3); c.337A>G, p.Arg113Gly (NM_006594.5); c.113+1966A>G (NM_001308312.2); short protein forms R113G, R14G.
Identifiers: ClinVar variation 859557 (VCV000859557.1), dbSNP rs1668423302, ClinGen allele CA341689077.
Genomic context (GRCh38, chr1:113,902,639, plus strand): 5'-CCCTGTGATCACTTGAATTCATCAGCCATTTAGGACCAGACAGAGAAGAGGGTACTCACC[T>C]GAGGCTACACATGCTCCGTAACGCCAGCCCTCGCACCATTGGATTGGGGTCTGAGCAGTC-3'
Protein context (NP_001240781.1, residues 103-123): GLALRSMCSL[Arg113Gly]MPGVQEYIQQ